The following is an entry in ClinVar:

NM_000137.4(FAH):c.1159G>A (p.Gly387Arg)

Gene: FAH (fumarylacetoacetate hydrolase; plus strand). Cytogenetic location: 15q25.1.
Variant type: single nucleotide variant.
Coding change: c.1159G>A on transcript NM_000137.4 (MANE Select); coding-DNA position 1159, G replaced by A.
Protein change: p.Gly387Arg; replaces glycine 387 with arginine.
Molecular consequence: missense variant.
Genome position (GRCh38, 1-based): chr15:80,181,138, G>A. VCF-style: chr15-80181138-G-A. GRCh37 (hg19) VCF-style: chr15-80473480-G-A.
Other names: c.1159G>A, p.Gly387Arg (NM_001374377.1, NM_001374380.1); short protein forms G387R.
Identifiers: ClinVar variation 552576 (VCV000552576.8), dbSNP rs753539920, ClinGen allele CA7691500.
Genomic context (GRCh38, chr15:80,181,138, plus strand): 5'-TGGAAGGGAACGAAGCCCATAGACCTGGGGAATGGTCAGACCAGGAAGTTTCTGCTGGAC[G>A]GGGATGAAGTCATCATAACAGGTGAGGGCTGCCAAACCCAGCAGCTCGTCTTCCTCCTTG-3'
Protein context (NP_000128.1, residues 377-397): NGQTRKFLLD[Gly387Arg]DEVIITGYCQ

ClinVar aggregate classification (germline): Uncertain significance. Review status: criteria provided, single submitter (1 of 4 stars). 3 submissions from 3 submitters: Uncertain significance (1). 2 of the submissions do not count toward it. Last evaluated 2021-09-08.

Conditions:
Tyrosinemia type I (TYRSN1). Also called: Tyrosinemia type 1; Fumarylacetoacetase deficiency; Deficiency of fumarylacetoacetase; FAH DEFICIENCY; HEPATORENAL TYROSINEMIA. Identifiers: Orphanet 882, MedGen C0268490, MONDO:0010161, OMIM 276700. Disease mechanism: loss of function.

Allele frequency attached by ClinVar (database versions not stated): TOPMed 0.00002; ExAC 0.00001; gnomAD 0.00001 and 0.00002.
gnomAD v4.1: 19 of 1,612,896 alleles (0.0012%); highest among the groups gnomAD compares: East Asian, 0.02%; no homozygotes.

Submissions (3):

Labcorp Genetics (formerly Invitae), Labcorp
Classification: Uncertain significance for Tyrosinemia type I. Last evaluated: 2021-09-08. Review status: criteria provided, single submitter. Criteria: Invitae Variant Classification Sherloc (09022015). Collection method: clinical testing. Allele origin: germline.
Comment: This sequence change replaces glycine with arginine at codon 387 of the FAH protein (p.Gly387Arg). The glycine residue is highly conserved and there is a moderate physicochemical difference between glycine and arginine. This variant is present in population databases (rs753539920, ExAC 0.001%). This missense change has been observed in individual(s) with clinical features of FAH-related conditions (PMID: 23193487). ClinVar contains an entry for this variant (Variation ID: 552576). Algorithms developed to predict the effect of missense changes on protein structure and function are either unavailable or do not agree on the potential impact of this missense change (SIFT: "Tolerated"; PolyPhen-2: "Probably Damaging"; Align-GVGD: "Class C0"). Algorithms developed to predict the effect of sequence changes on RNA splicing suggest that this variant may create or strengthen a splice site. In summary, the available evidence is currently insufficient to determine the role of this variant in disease. Therefore, it has been classified as a Variant of Uncertain Significance.

Natera, Inc.
Classification: Uncertain significance for Tyrosinemia type I. Last evaluated: 2018-05-22. Review status: no assertion criteria provided. Collection method: clinical testing. Allele origin: germline. Not counted in ClinVar's aggregate classification.

Counsyl
Classification: Uncertain significance for Tyrosinemia type I. Last evaluated: 2017-06-15. Review status: no assertion criteria provided. Collection method: clinical testing. Allele origin: unknown. Not counted in ClinVar's aggregate classification.

Literature cited by the submitters: PubMed 23193487 (cited by Labcorp Genetics (formerly Invitae), Labcorp and Counsyl).